The following is an entry in ClinVar:

ClinVar aggregate classification (germline): Uncertain significance. Review status: criteria provided, multiple submitters, no conflicts (2 of 4 stars). 2 submissions from 2 submitters: Uncertain significance (2). Last evaluated 2026-02-17.

Conditions:
TSPEAR-related disorder. Also called: TSPEAR-related condition.

gnomAD v4.1: 27 of 1,566,154 alleles (0.0017%); highest among the groups gnomAD compares: South Asian, 0.019%; no homozygotes.

Submissions (2):

PreventionGenetics, part of Exact Sciences
Classification: Uncertain significance for TSPEAR-related condition. Last evaluated: 2026-02-17. Review status: criteria provided, single submitter. Criteria: ACMG Guidelines, 2015. Collection method: clinical testing. Allele origin: germline.
Comment: The TSPEAR c.2005C>T variant is predicted to result in the amino acid substitution p.Arg669Cys. To our knowledge, this variant has not been reported in the literature. This variant is reported in 0.021% of alleles in individuals of South Asian descent in gnomAD. At this time, the clinical significance of this variant is uncertain due to the absence of conclusive functional and genetic evidence.

GeneDx
Classification: Uncertain significance. Last evaluated: 2024-12-03. Review status: criteria provided, single submitter. Criteria: GeneDx Variant Classification Process June 2021. Collection method: clinical testing. Allele origin: germline. Affected: yes.
Comment: In silico analysis indicates that this missense variant does not alter protein structure/function; Has not been previously published as pathogenic or benign to our knowledge

NM_144991.3(TSPEAR):c.2005C>T (p.Arg669Cys)

Gene: TSPEAR (thrombospondin type laminin G domain and EAR repeats; minus strand). Cytogenetic location: 21q22.3.
Variant type: single nucleotide variant.
Coding change: c.2005C>T on transcript NM_144991.3 (MANE Select); coding-DNA position 2005, C replaced by T.
Protein change: p.Arg669Cys; replaces arginine 669 with cysteine.
Molecular consequence: missense variant.
Genome position (GRCh38, 1-based): chr21:44,499,788, G>A on the plus strand (C>T on the coding strand, the complement: TSPEAR is on the minus strand). VCF-style: chr21-44499788-G-A. GRCh37 (hg19) VCF-style: chr21-45919671-G-A.
Other names: c.1801C>T, p.Arg601Cys (NM_001272037.2); short protein forms R601C, R669C.
Identifiers: ClinVar variation 3901516 (VCV003901516.2).